The following is an entry in ClinVar:

NM_001368165.1(CSNK2A2IP):c.87A>G (p.Gln29=)

Gene: CSNK2A2IP (casein kinase 2 subunit alpha' interacting protein; plus strand). Cytogenetic location: 3p11.1.
Variant type: single nucleotide variant.
Coding change: c.87A>G on transcript NM_001368165.1 (MANE Select); coding-DNA position 87, A replaced by G.
Protein change: p.Gln29=; no amino-acid change (glutamine 29 retained).
Molecular consequence: synonymous variant.
Genome position (GRCh38, 1-based): chr3:88,465,444, A>G. VCF-style: chr3-88465444-A-G. GRCh37 (hg19) VCF-style: chr3-88514594-A-G.
Other names: c.87A>G, p.Gln29= (NM_001368166.1, NM_001368167.1, NM_001368168.1).
Identifiers: ClinVar variation 2653987 (VCV002653987.24), dbSNP rs867783776, ClinGen allele CA79151391.
Genomic context (GRCh38, chr3:88,465,444, plus strand): 5'-ACACTTTGTGCCATTAGACTACTTCTACCAACTGTCCTCAGCCAATACATTAACACATCA[A>G]CATACAGGTGAAAAACTAAATCAATTCAATAACCAACCTATGGCCAAAGTGCAATCCCAT-3'
Protein context (NP_001355094.1, residues 19-39): QLSSANTLTH[Gln29=]HTGEKLNQFN

ClinVar aggregate classification (germline): Likely benign (1 of 4 stars; one submission).

Allele frequency attached by ClinVar (database versions not stated): gnomAD 0.00005; gnomAD exomes 0.00006; TOPMed 0.00006.
gnomAD v4.1: 79 of 1,231,692 alleles (0.0064%); highest among the groups gnomAD compares: Middle Eastern, 0.22%; no homozygotes.

Submission:

CeGaT Center for Human Genetics Tuebingen
Classification: Likely benign. Last evaluated: 2022-07-01. Review status: criteria provided, single submitter. Criteria: CeGaT Center For Human Genetics Tuebingen Variant Classification Criteria Version 2. Collection method: clinical testing. Allele origin: germline. Affected: yes. Observed: 1 variant allele.
Comment: CSNK2A2IP: BP4, BP7